The following is an entry in ClinVar:

NM_001364905.1(LRBA):c.949C>T (p.Arg317Ter)

Gene: LRBA (LPS responsive beige-like anchor protein; minus strand). Cytogenetic location: 4q31.3.
Variant type: single nucleotide variant.
Coding change: c.949C>T on transcript NM_001364905.1 (MANE Select); coding-DNA position 949, C replaced by T.
Protein change: p.Arg317Ter; replaces arginine 317 with a stop codon.
Molecular consequence: nonsense.
Genome position (GRCh38, 1-based): chr4:150,915,673, G>A on the plus strand (C>T on the coding strand, the complement: LRBA is on the minus strand). VCF-style: chr4-150915673-G-A. GRCh37 (hg19) VCF-style: chr4-151836825-G-A.
Other names: c.949C>T, p.Arg317Ter (NM_001199282.3, NM_001367550.1, NM_006726.5); short protein forms R317*.
Identifiers: ClinVar variation 4071533 (VCV004071533.2).

ClinVar aggregate classification (germline): Pathogenic/Likely pathogenic. Review status: criteria provided, multiple submitters, no conflicts (2 of 4 stars). 2 submissions from 2 submitters: Pathogenic (1); Likely pathogenic (1). Last evaluated 2025-09-24.

Conditions:
Combined immunodeficiency due to LRBA deficiency. Also called: Common variable immunodeficiency 8, with autoimmunity. Identifiers: Orphanet 445018, MedGen C3553512, MONDO:0013863, OMIM 614700.

gnomAD v4.1: 4 of 1,612,362 alleles (0.00025%); highest among the groups gnomAD compares: Non-Finnish European, 0.00034%; no homozygotes.

Submissions (2):

Genesolutions, Medical Genetics Institutes, Ho Chi Minh City, Vietnam
Classification: Pathogenic for Combined immunodeficiency due to LRBA deficiency. Last evaluated: 2025-09-24. Review status: criteria provided, single submitter. Criteria: ACMG Guidelines, 2015. Collection method: clinical testing. Allele origin: germline. Affected: yes.

Next Generation Genetic Polyclinic
Classification: Likely pathogenic for Combined immunodeficiency due to LRBA deficiency. Last evaluated: 2025-04-14. Review status: criteria provided, single submitter. Criteria: ACMG Guidelines, 2015. Collection method: curation. Allele origin: germline. Affected: yes. Observed: 1 variant allele.
Comment: A novel likely pathogenic variant in the LRBA gene (c.949C>T) was identified by curation in a homozygous state. The variant is absent from population databases, with no conflicting evidence reported, supporting its classification as Likely Pathogenic.

Literature cited by the submitters: PubMed 32154999 (cited by Next Generation Genetic Polyclinic).